The following is an entry in ClinVar:

ClinVar aggregate classification (germline): Uncertain significance (1 of 4 stars; one submission).

Allele frequency attached by ClinVar (database versions not stated): gnomAD exomes below 0.00001.

Submission:

CeGaT Center for Human Genetics Tuebingen
Classification: Uncertain significance. Last evaluated: 2023-06-01. Review status: criteria provided, single submitter. Criteria: CeGaT Center For Human Genetics Tuebingen Variant Classification Criteria Version 2. Collection method: clinical testing. Allele origin: germline. Affected: yes. Observed: 1 variant allele.
Comment: ACTN2: PM2

NM_001103.4(ACTN2):c.938T>C (p.Met313Thr)

Gene: ACTN2 (actinin alpha 2; plus strand). Cytogenetic location: 1q43.
Variant type: single nucleotide variant.
Coding change: c.938T>C on transcript NM_001103.4 (MANE Select); coding-DNA position 938, T replaced by C.
Protein change: p.Met313Thr; replaces methionine 313 with threonine.
Molecular consequence: missense variant. On other transcripts: non-coding transcript variant (1).
Genome position (GRCh38, 1-based): chr1:236,739,363, T>C. VCF-style: chr1-236739363-T-C. GRCh37 (hg19) VCF-style: chr1-236902663-T-C.
Other names: c.938T>C, p.Met313Thr (NM_001278343.2); c.314T>C, p.Met105Thr (NM_001278344.2); c.188T>C, p.Met63Thr (NM_001412150.1); short protein forms M105T, M313T, M63T.
Identifiers: ClinVar variation 2640112 (VCV002640112.24), dbSNP rs2527599425, ClinGen allele CA345380182.